The following is an entry in ClinVar:

ClinVar aggregate classification (germline): Uncertain significance. Review status: criteria provided, multiple submitters, no conflicts (2 of 4 stars). 2 submissions from 2 submitters: Uncertain significance (2). Last evaluated 2024-07-16.

gnomAD v4.1: 2 of 1,210,744 alleles (0.00017%); highest among the groups gnomAD compares: Non-Finnish European, 0.00011%; no homozygotes.

Submissions (2):

Women's Health and Genetics/Laboratory Corporation of America, LabCorp
Classification: Uncertain significance. Last evaluated: 2024-07-16. Review status: criteria provided, single submitter. Criteria: LabCorp Variant Classification Summary - May 2015. Collection method: clinical testing. Allele origin: germline.
Comment: Variant summary: OCRL c.689G>A (p.Arg230Gln) results in a conservative amino acid change in the encoded protein sequence. Three of five in-silico tools predict a damaging effect of the variant on protein function. The variant was absent in 181612 control chromosomes. The available data on variant occurrences in the general population are insufficient to allow any conclusion about variant significance. c.689G>A has been reported in the literature in an individual affected with Brain malformation (example: Stodberg_2020). These report(s) do not provide unequivocal conclusions about association of the variant with Dent Disease. To our knowledge, no experimental evidence demonstrating an impact on protein function has been reported. The following publication has been ascertained in the context of this evaluation (PMID: 32964447). No submitters have cited clinical-significance assessments for this variant to ClinVar. Based on the evidence outlined above, the variant was classified as uncertain significance.

Blueprint Genetics
Classification: Uncertain significance. Last evaluated: 2023-06-22. Review status: criteria provided, single submitter. Criteria: ACMG Guidelines, 2015. Collection method: clinical testing. Allele origin: germline.

Literature cited by the submitters: PubMed 32964447 (cited by Women's Health and Genetics/Laboratory Corporation of America, LabCorp).

NM_000276.4(OCRL):c.689G>A (p.Arg230Gln)

Gene: OCRL (OCRL inositol polyphosphate-5-phosphatase; plus strand). Cytogenetic location: Xq26.1.
Variant type: single nucleotide variant.
Coding change: c.689G>A on transcript NM_000276.4 (MANE Select); coding-DNA position 689, G replaced by A.
Protein change: p.Arg230Gln; replaces arginine 230 with glutamine.
Molecular consequence: missense variant.
Genome position (GRCh38, 1-based): chrX:129,558,968, G>A. VCF-style: chrX-129558968-G-A. GRCh37 (hg19) VCF-style: chrX-128692945-G-A.
Other names: c.692G>A, p.Arg231Gln (NM_001318784.2); c.689G>A, p.Arg230Gln (NM_001587.4); short protein forms R230Q, R231Q.
Identifiers: ClinVar variation 3339488 (VCV003339488.2).